The following is an entry in ClinVar:

NM_006231.4(POLE):c.5012T>A (p.Leu1671His)

Gene: POLE (DNA polymerase epsilon, catalytic subunit; minus strand). Cytogenetic location: 12q24.33.
Variant type: single nucleotide variant.
Coding change: c.5012T>A on transcript NM_006231.4 (MANE Select); coding-DNA position 5012, T replaced by A.
Protein change: p.Leu1671His; replaces leucine 1671 with histidine.
Molecular consequence: missense variant.
Genome position (GRCh38, 1-based): chr12:132,642,338, A>T on the plus strand (T>A on the coding strand, the complement: POLE is on the minus strand). VCF-style: chr12-132642338-A-T. GRCh37 (hg19) VCF-style: chr12-133218924-A-T.
Other names: short protein forms L1671H.
Identifiers: ClinVar variation 2799187 (VCV002799187.5), dbSNP rs2138531254, ClinGen allele CA387377382.

ClinVar aggregate classification (germline): Uncertain significance. Review status: criteria provided, multiple submitters, no conflicts (2 of 4 stars). 2 submissions from 2 submitters: Uncertain significance (2). Last evaluated 2025-03-04.

Allele frequency attached by ClinVar (database versions not stated): gnomAD exomes below 0.00001.

Submissions (2):

Center for Genomic Medicine, Rigshospitalet, Copenhagen University Hospital
Classification: Uncertain significance. Last evaluated: 2025-03-04. Review status: criteria provided, single submitter. Criteria: ACMG Guidelines, 2015. Collection method: clinical testing. Allele origin: germline.

Labcorp Genetics (formerly Invitae), Labcorp
Classification: Uncertain significance. Last evaluated: 2023-12-12. Review status: criteria provided, single submitter. Criteria: Invitae Variant Classification Sherloc (09022015). Collection method: clinical testing. Allele origin: germline.
Comment: This sequence change replaces leucine, which is neutral and non-polar, with histidine, which is basic and polar, at codon 1671 of the POLE protein (p.Leu1671His). This variant is not present in population databases (gnomAD no frequency). This variant has not been reported in the literature in individuals affected with POLE-related conditions. Advanced modeling of protein sequence and biophysical properties (such as structural, functional, and spatial information, amino acid conservation, physicochemical variation, residue mobility, and thermodynamic stability) performed at Invitae indicates that this missense variant is expected to disrupt POLE protein function with a positive predictive value of 80%. In summary, the available evidence is currently insufficient to determine the role of this variant in disease. Therefore, it has been classified as a Variant of Uncertain Significance.